The following is an entry in ClinVar:

ClinVar aggregate classification (germline): Pathogenic (1 of 4 stars; one submission).

Conditions:
Leber congenital amaurosis 1 (LCA1). Also called: Congenital absence of the rods and cones; Leber's congenital tapetoretinal degeneration; Leber's congenital tapetoretinal dysplasia; AMAUROSIS CONGENITA OF LEBER I; RETINAL BLINDNESS, CONGENITAL. Identifiers: Orphanet 65, MedGen C2931258, MONDO:0008764, OMIM 204000.

Submission:

Labcorp Genetics (formerly Invitae), Labcorp
Classification: Pathogenic for Leber congenital amaurosis 1. Last evaluated: 2017-06-04. Review status: criteria provided, single submitter. Criteria: Invitae Variant Classification Sherloc (09022015). Collection method: clinical testing. Allele origin: germline.
Comment: This sequence change creates a premature translational stop signal (p.Glu793Asnfs*42) in the GUCY2D gene. It is expected to result in an absent or disrupted protein product. This variant is not present in population databases (ExAC no frequency). This variant has not been reported in the literature in individuals with a GUCY2D-related disease. Loss-of-function variants in GUCY2D are known to be pathogenic (PMID: 10951519, 17964524, 11328726). For these reasons, this variant has been classified as Pathogenic.

NM_000180.4(GUCY2D):c.2377del (p.Glu793fs)

Gene: GUCY2D (guanylate cyclase 2D, retinal; plus strand). Cytogenetic location: 17p13.1.
Variant type: Deletion.
Coding change: c.2377del on transcript NM_000180.4 (MANE Select); coding-DNA position 2377, one base deleted (G; older notation c.2377delG).
Protein change: p.Glu793fs; shifts the reading frame from glutamic acid 793.
Molecular consequence: frameshift variant.
Genome position (GRCh38, 1-based): chr17:8,013,993, G deleted; the last of 2 consecutive G bases (chr17:8,013,992-8,013,993); deleting either gives the same sequence. VCF-style (leftmost placement, unchanged base first): chr17-8013991-CG-C. GRCh37 (hg19) VCF-style: chr17-7917309-CG-C.
Other names: c.2377delG (NM_000180.3); short protein forms E793fs.
Identifiers: ClinVar variation 471236 (VCV000471236.1), dbSNP rs1555635668, ClinGen allele CA658658536.